The following is an entry in ClinVar:

NM_015932.6(POMP):c.27G>A (p.Glu9=)

Gene: POMP (proteasome maturation protein; plus strand). Cytogenetic location: 13q12.3.
Variant type: single nucleotide variant.
Coding change: c.27G>A on transcript NM_015932.6 (MANE Select); coding-DNA position 27, G replaced by A.
Protein change: p.Glu9=; no amino-acid change (glutamic acid 9 retained).
Molecular consequence: synonymous variant.
Genome position (GRCh38, 1-based): chr13:28,662,433, G>A. VCF-style: chr13-28662433-G-A. GRCh37 (hg19) VCF-style: chr13-29236570-G-A.
Other names: p.Glu9=.
Identifiers: ClinVar variation 4683786 (VCV004683786.1).

ClinVar aggregate classification (germline): Likely benign (1 of 4 stars; one submission).

gnomAD v4.1: 2 of 1,613,612 alleles (0.00012%); highest among the groups gnomAD compares: African/African-American, 0.0027%; no homozygotes.

Submission:

Mayo Clinic Laboratories, Mayo Clinic
Classification: Likely benign. Last evaluated: 2025-09-11. Review status: criteria provided, single submitter. Criteria: ACMG Guidelines, 2015. Collection method: clinical testing. Allele origin: germline. Observed: 1 variant allele.
Comment: BP4, BP7, PM2_supporting